The following is an entry in ClinVar:

NM_014907.3(FRMPD1):c.924C>T (p.Leu308=)

Gene: FRMPD1 (FERM and PDZ domain containing 1; plus strand). Cytogenetic location: 9p13.2.
Variant type: single nucleotide variant.
Coding change: c.924C>T on transcript NM_014907.3 (MANE Select); coding-DNA position 924, C replaced by T.
Protein change: p.Leu308=; no amino-acid change (leucine 308 retained).
Molecular consequence: synonymous variant.
Genome position (GRCh38, 1-based): chr9:37,732,369, C>T. VCF-style: chr9-37732369-C-T. GRCh37 (hg19) VCF-style: chr9-37732366-C-T.
Other names: c.924C>T, p.Leu308= (NM_001371223.1, NM_001371224.1, NM_001371225.1).
Identifiers: ClinVar variation 3770987 (VCV003770987.13).

ClinVar aggregate classification (germline): Likely benign (1 of 4 stars; one submission).

gnomAD v4.1: 13 of 1,613,792 alleles (0.00081%); highest among the groups gnomAD compares: South Asian, 0.013%; no homozygotes.

Submission:

CeGaT Center for Human Genetics Tuebingen
Classification: Likely benign. Last evaluated: 2025-02-01. Review status: criteria provided, single submitter. Criteria: CeGaT Center For Human Genetics Tuebingen Variant Classification Criteria Version 2. Collection method: clinical testing. Allele origin: germline. Affected: yes. Observed: 1 variant allele.
Comment: FRMPD1: BP4, BP7